The following is an entry in ClinVar:

ClinVar aggregate classification (germline): Likely pathogenic (1 of 4 stars; one submission).

Conditions:
Polycystic kidney disease, adult type (PKD1). Also called: POLYCYSTIC KIDNEY DISEASE, ADULT, TYPE I; Polycystic Kidney Disease 1, Autosomal Dominant; Polycystic kidney disease 1; Polycystic kidney disease 1, severe; POLYCYSTIC KIDNEY DISEASE 1 WITH OR WITHOUT POLYCYSTIC LIVER DISEASE; Polycystic Kidney, Autosomal Dominant. Identifiers: MedGen C3149841, MONDO:0008263, OMIM 173900.

Submission:

Variantyx, Inc.
Classification: Likely pathogenic for Polycystic kidney disease, adult type. Last evaluated: 2025-12-23. Review status: criteria provided, single submitter. Criteria: Variantyx Assertion Criteria 2022. Collection method: clinical testing. Allele origin: germline. Inheritance: Autosomal dominant inheritance. Affected: yes.
Comment: This is a nonsense variant in the PKD1 gene (OMIM: 601313). Pathogenic variants in this gene have been associated with autosomal dominant polycystic kidney disease 1. This variant introduces a premature termination codon in exon 15 out of 46 and is expected to result in loss of function, which is a known disease mechanism for PKD1 in this disorder (PMID: 29529603, 14872199, 29530879) (PVS1). This variant is absent from control populations (PM2), and it has not been reported in individuals with PKD1-related disorders in the databases available for review. Based on the current evidence, this variant is classified as likely pathogenic for autosomal dominant polycystic kidney disease 1.

Literature cited by the submitters: PubMed 29529603; PubMed 14872199; PubMed 29530879.

NM_001009944.3(PKD1):c.3477C>A (p.Tyr1159Ter)

Gene: PKD1 (polycystin 1, transient receptor potential channel interacting; minus strand). Cytogenetic location: 16p13.3.
Variant type: single nucleotide variant.
Coding change: c.3477C>A on transcript NM_001009944.3 (MANE Select); coding-DNA position 3477, C replaced by A.
Protein change: p.Tyr1159Ter; replaces tyrosine 1159 with a stop codon.
Molecular consequence: nonsense.
Genome position (GRCh38, 1-based): chr16:2,111,690, G>T on the plus strand (C>A on the coding strand, the complement: PKD1 is on the minus strand). VCF-style: chr16-2111690-G-T. GRCh37 (hg19) VCF-style: chr16-2161691-G-T.
Other names: c.3477C>A, p.Tyr1159Ter (NM_000296.4); short protein forms Y1159*.
Identifiers: ClinVar variation 4850026 (VCV004850026.1).